The following is an entry in ClinVar:

NM_000059.4(BRCA2):c.4805_4812del (p.Lys1602fs)

Gene: BRCA2 (BRCA2 DNA repair associated; plus strand). Cytogenetic location: 13q13.1.
Variant type: Deletion.
Coding change: c.4805_4812del on transcript NM_000059.4 (MANE Select); coding-DNA positions 4805 to 4812, 8 bases deleted (AAAACCTT; older notation c.4805_4812delAAAACCTT).
Protein change: p.Lys1602fs; shifts the reading frame from lysine 1602.
Molecular consequence: frameshift variant.
Genome position (GRCh38, 1-based): chr13:32,339,160-32,339,167, AAAACCTT deleted. VCF-style (leftmost placement, unchanged base first): chr13-32339159-AAAAACCTT-A. GRCh37 (hg19) VCF-style: chr13-32913296-AAAAACCTT-A.
Other names: c.4805_4812delAAAACCTT, p.Lys1602Serfs (NM_001406719.1, NM_001406720.1); short protein forms K1602fs.
Identifiers: ClinVar variation 1743222 (VCV001743222.2), dbSNP rs2548529357, ClinGen allele CA2580087310.

ClinVar aggregate classification (germline): Pathogenic (1 of 4 stars; one submission).

Conditions:
Hereditary cancer-predisposing syndrome. Also called: Hereditary Cancer Syndrome; Neoplastic Syndromes, Hereditary; Tumor predisposition; Hereditary neoplastic syndrome. Identifiers: Orphanet 140162, MedGen C0027672, MeSH D009386, MONDO:0015356.

Submission:

Ambry Genetics
Classification: Pathogenic for Hereditary cancer-predisposing syndrome. Last evaluated: 2020-05-29. Review status: criteria provided, single submitter. Criteria: Ambry Variant Classification Scheme 2023. Collection method: clinical testing. Allele origin: germline.
Comment: The c.4805_4812delAAAACCTT pathogenic mutation, located in coding exon 10 of the BRCA2 gene, results from a deletion of 8 nucleotides at nucleotide positions 4805 to 4812, causing a translational frameshift with a predicted alternate stop codon (p.K1602Sfs*4). This alteration is expected to result in loss of function by premature protein truncation or nonsense-mediated mRNA decay. As such, this alteration is interpreted as a disease-causing mutation.